The following is an entry in ClinVar:

NM_000518.5(HBB):c.24G>A (p.Glu8=)

Genes: HBB (hemoglobin subunit beta; minus strand), LOC106099062 (HBB recombination region; plus strand), LOC107133510 (origin of replication at HBB; plus strand). Cytogenetic location: 11p15.4.
Variant type: single nucleotide variant.
Coding change: c.24G>A on transcript NM_000518.5 (MANE Select); coding-DNA position 24, G replaced by A.
Protein change: p.Glu8=; no amino-acid change (glutamic acid 8 retained).
Molecular consequence: synonymous variant.
Genome position (GRCh38, 1-based): chr11:5,226,998, C>T on the plus strand (G>A on the coding strand, the complement: HBB is on the minus strand). VCF-style: chr11-5226998-C-T. GRCh37 (hg19) VCF-style: chr11-5248228-C-T.
Identifiers: ClinVar variation 2681984 (VCV002681984.4), dbSNP rs138405215, ClinGen allele CA5839820.
Genomic context (GRCh38, chr11:5,226,998, plus strand): 5'-GGCCTCACCACCAACTTCATCCACGTTCACCTTGCCCCACAGGGCAGTAACGGCAGACTT[C>T]TCCTCAGGAGTCAGATGCACCATGGTGTCTGTTTGAGGTTGCTAGTGAACACAGTTGTGT-3'
Protein context (NP_000509.1, residues 1-18): MVHLTPE[Glu8=]KSAVTALWGK

ClinVar aggregate classification (germline): Conflicting classifications of pathogenicity. Review status: criteria provided, conflicting classifications (1 of 4 stars). 2 submissions from 2 submitters: Uncertain significance (1); Likely benign (1). Last evaluated 2023-05-23.

Allele frequency attached by ClinVar (database versions not stated): ExAC 0.00001; ESP Exome Variant Server 0.00008.

Submissions (2):

Labcorp Genetics (formerly Invitae), Labcorp
Classification: Likely benign. Last evaluated: 2023-05-23. Review status: criteria provided, single submitter. Criteria: Invitae Variant Classification Sherloc (09022015). Collection method: clinical testing. Allele origin: germline.

Quest Diagnostics Nichols Institute San Juan Capistrano
Classification: Uncertain significance. Last evaluated: 2023-04-27. Review status: criteria provided, single submitter. Criteria: Quest Diagnostics criteria. Collection method: clinical testing. Allele origin: unknown.
Comment: The HBB c.24G>A (p.Glu8=) synonymous variant has not been reported in the published literature. The frequency of this variant in the general population, 0.000004 (1/251176 chromosomes), is uninformative in assessment of its pathogenicity. Analysis of this variant using software algorithms for the prediction of the effect of nucleotide changes on splicing yielded predictions that this variant does not affect HBB mRNA splicing . Based on the available information, we are unable to determine the clinical significance of this variant.